The following is an entry in ClinVar:

NM_007315.4(STAT1):c.1765G>A (p.Ala589Thr)

Gene: STAT1 (signal transducer and activator of transcription 1; minus strand). Cytogenetic location: 2q32.2.
Variant type: single nucleotide variant.
Coding change: c.1765G>A on transcript NM_007315.4 (MANE Select); coding-DNA position 1765, G replaced by A.
Protein change: p.Ala589Thr; replaces alanine 589 with threonine.
Molecular consequence: missense variant.
Genome position (GRCh38, 1-based): chr2:190,978,964, C>T on the plus strand (G>A on the coding strand, the complement: STAT1 is on the minus strand). VCF-style: chr2-190978964-C-T. GRCh37 (hg19) VCF-style: chr2-191843690-C-T.
Other names: c.1705G>A, p.Ala569Thr (NM_001384880.1); c.1771G>A, p.Ala591Thr (NM_001384881.1, NM_001384884.1); c.1759G>A, p.Ala587Thr (NM_001384882.1); c.1666G>A, p.Ala556Thr (NM_001384883.1); c.1606G>A, p.Ala536Thr (NM_001384885.1); c.1765G>A, p.Ala589Thr (NM_001384886.1, NM_001384889.1, NM_139266.3); c.1672G>A, p.Ala558Thr (NM_001384887.1); c.1735G>A, p.Ala579Thr (NM_001384888.1); and 2 more; short protein forms A558T, A559T, A536T, A569T, A587T, A589T, A601T, A579T.
Identifiers: ClinVar variation 1435737 (VCV001435737.9), dbSNP rs745491762, ClinGen allele CA2029811.

ClinVar aggregate classification (germline): Uncertain significance. Review status: criteria provided, multiple submitters, no conflicts (2 of 4 stars). 2 submissions from 2 submitters: Uncertain significance (2). Last evaluated 2024-09-10.

Conditions:
Immunodeficiency 31B. Also called: STAT1 DEFICIENCY, AUTOSOMAL RECESSIVE; IMMUNODEFICIENCY 31B, MYCOBACTERIAL AND VIRAL INFECTIONS, AUTOSOMAL RECESSIVE. Identifiers: Orphanet 391311, MedGen C3151088, MONDO:0013427, OMIM 613796.
Mendelian susceptibility to mycobacterial diseases due to partial STAT1 deficiency. Also called: IMMUNODEFICIENCY 31A, MYCOBACTERIOSIS, AUTOSOMAL DOMINANT; STAT1 DEFICIENCY, AUTOSOMAL DOMINANT; Immunodeficiency 31a. Identifiers: Orphanet 319595, MedGen C4013950, MONDO:0013956, OMIM 614892.
Autoimmune enteropathy and endocrinopathy - susceptibility to chronic infections syndrome. Also called: Immunodeficiency 31C; Immunodeficiency 31C, autosomal dominant. Identifiers: Orphanet 391487, MedGen C3279990, MONDO:0013599, OMIM 614162.

gnomAD v4.1: 6 of 1,614,070 alleles (0.00037%); highest among the groups gnomAD compares: African/African-American, 0.004%; no homozygotes.

Submissions (2):

Blueprint Genetics
Classification: Uncertain significance. Last evaluated: 2024-09-10. Review status: criteria provided, single submitter. Criteria: ACMG Guidelines, 2015. Collection method: clinical testing. Allele origin: germline.

Labcorp Genetics (formerly Invitae), Labcorp
Classification: Uncertain significance for Mendelian susceptibility to mycobacterial diseases due to partial STAT1 deficiency; Immunodeficiency 31B; Autoimmune enteropathy and endocrinopathy - susceptibility to chronic infections syndrome. Last evaluated: 2023-06-02. Review status: criteria provided, single submitter. Criteria: Invitae Variant Classification Sherloc (09022015). Collection method: clinical testing. Allele origin: germline.
Comment: This sequence change replaces alanine, which is neutral and non-polar, with threonine, which is neutral and polar, at codon 589 of the STAT1 protein (p.Ala589Thr). In summary, the available evidence is currently insufficient to determine the role of this variant in disease. Therefore, it has been classified as a Variant of Uncertain Significance. An algorithm developed to predict the effect of missense changes on protein structure and function (PolyPhen-2) suggests that this variant is likely to be tolerated. ClinVar contains an entry for this variant (Variation ID: 1435737). This variant has not been reported in the literature in individuals affected with STAT1-related conditions. This variant is not present in population databases (gnomAD no frequency).